The following is an entry in ClinVar:

ClinVar aggregate classification (germline): Conflicting classifications of pathogenicity. Review status: criteria provided, conflicting classifications (1 of 4 stars). 4 submissions from 4 submitters: Uncertain significance (1); Benign (1); Likely benign (2). Last evaluated 2025-10-02.

Conditions:
SNRNP200-related disorder. Also called: SNRNP200-related condition.

Allele frequency attached by ClinVar (database versions not stated): gnomAD exomes 0.00004 and 0.00009; ExAC 0.00011; ESP Exome Variant Server 0.00015; 1000 Genomes Project 30x 0.00016; 1000 Genomes Project 0.00020; gnomAD 0.00044 and 0.00051; TOPMed 0.00045.
gnomAD v4.1: 131 of 1,614,056 alleles (0.0081%); highest among the groups gnomAD compares: African/African-American, 0.16%; no homozygotes.

Submissions (4):

Labcorp Genetics (formerly Invitae), Labcorp
Classification: Benign. Last evaluated: 2025-10-02. Review status: criteria provided, single submitter. Criteria: Invitae Variant Classification Sherloc (09022015). Collection method: clinical testing. Allele origin: germline.

PreventionGenetics, part of Exact Sciences
Classification: Likely benign for SNRNP200-related condition. Last evaluated: 2024-10-18. Review status: criteria provided, single submitter. Criteria: ACMG Guidelines, 2015. Collection method: clinical testing. Allele origin: germline.
Comment: This variant is classified as likely benign based on ACMG/AMP sequence variant interpretation guidelines (Richards et al. 2015 PMID: 25741868, with internal and published modifications).

Blueprint Genetics
Classification: Likely benign. Last evaluated: 2024-10-09. Review status: criteria provided, single submitter. Criteria: ACMG Guidelines, 2015. Collection method: clinical testing. Allele origin: germline.

Eurofins Ntd Llc (ga)
Classification: Uncertain significance. Last evaluated: 2017-09-12. Review status: criteria provided, single submitter. Criteria: EGL Classification Definitions 2015. Collection method: clinical testing. Allele origin: germline. Observed: 2 variant alleles, 2 heterozygotes.

NM_014014.5(SNRNP200):c.4935G>A (p.Val1645=)

Gene: SNRNP200 (small nuclear ribonucleoprotein U5 subunit 200; minus strand). Cytogenetic location: 2q11.2.
Variant type: single nucleotide variant.
Coding change: c.4935G>A on transcript NM_014014.5 (MANE Select); coding-DNA position 4935, G replaced by A.
Protein change: p.Val1645=; no amino-acid change (valine 1645 retained).
Molecular consequence: synonymous variant.
Genome position (GRCh38, 1-based): chr2:96,281,903, C>T on the plus strand (G>A on the coding strand, the complement: SNRNP200 is on the minus strand). VCF-style: chr2-96281903-C-T. GRCh37 (hg19) VCF-style: chr2-96947641-C-T.
Other names: c.4935G>A (NM_014014.4).
Identifiers: ClinVar variation 593838 (VCV000593838.16), dbSNP rs375650263, ClinGen allele CA1778076.
Genomic context (GRCh38, chr2:96,281,903, plus strand): 5'-ATCCATGATGATTACCAGGTGGGCAGCCACGTTCATGCCCCAGCAGAGACTCCGAGAAGC[C>T]ACCACCACCTGGATAGCCCCTGAGCAGTAGAGGGGAGAGGAAGGCTGAGGGCAGGGGTCT-3'
Protein context (NP_054733.2, residues 1635-1655): LFSSGAIQVV[Val1645=]ASRSLCWGMN